The following is an entry in ClinVar:

NM_001378454.1(ALMS1):c.7450A>T (p.Lys2484Ter)

Gene: ALMS1 (ALMS1 centrosome and basal body associated protein; plus strand). Cytogenetic location: 2p13.1.
Variant type: single nucleotide variant.
Coding change: c.7450A>T on transcript NM_001378454.1 (MANE Select); coding-DNA position 7450, A replaced by T.
Protein change: p.Lys2484Ter; replaces lysine 2484 with a stop codon.
Molecular consequence: nonsense.
Genome position (GRCh38, 1-based): chr2:73,453,977, A>T. VCF-style: chr2-73453977-A-T. GRCh37 (hg19) VCF-style: chr2-73681104-A-T.
Other names: c.7453A>T, p.Lys2485Ter (NM_015120.4); short protein forms K2484*, K2485*.
Identifiers: ClinVar variation 1685520 (VCV001685520.9), dbSNP rs2103794046, ClinGen allele CA347292493.
Genomic context (GRCh38, chr2:73,453,977, plus strand): 5'-GGTGTGTCAGAGAGTGAGGATGGTGGTGGTAGCAGTGTAGATTCACTGGCTGCACATGTG[A>T]AAAACCTTCTGCAATGTGAATCCTCACTGAATCATGCTAAAGAAATACTCAGAAATGCAG-3'

ClinVar aggregate classification (germline): Pathogenic/Likely pathogenic. Review status: criteria provided, multiple submitters, no conflicts (2 of 4 stars). 4 submissions from 4 submitters: Pathogenic (2); Likely pathogenic (2). Last evaluated 2026-01-21.

Conditions:
Alstrom syndrome (ALMS). Identifiers: Orphanet 64, MedGen C0268425, MONDO:0008763, OMIM 203800.

Allele frequency attached by ClinVar (database versions not stated): gnomAD exomes below 0.00001.
gnomAD v4.1: 2 of 1,613,928 alleles (0.00012%); highest among the groups gnomAD compares: African/African-American, 0.0027%; no homozygotes.

Submissions (4):

Natera, Inc.
Classification: Likely pathogenic for Alstrom syndrome. Last evaluated: 2026-01-21. Review status: criteria provided, single submitter. Criteria: Natera Variant Classification Schema (03/2026). Collection method: clinical testing. Allele origin: germline.
Comment: The c.7453A>T variant in ALMS1 is a nonsense variant predicted to introduce a stop codon at amino acid 2485. This variant is expected to result in nonsense mediated decay, truncation, or a dysfunctional protein product. This variant is rare in the general population with a frequency below the threshold expected for the associated phenotype(s). Given the available evidence, this variant is classified as Likely Pathogenic.

Labcorp Genetics (formerly Invitae), Labcorp
Classification: Pathogenic for Alstrom syndrome. Last evaluated: 2023-05-17. Review status: criteria provided, single submitter. Criteria: Invitae Variant Classification Sherloc (09022015). Collection method: clinical testing. Allele origin: germline.
Comment: This sequence change creates a premature translational stop signal (p.Lys2485*) in the ALMS1 gene. It is expected to result in an absent or disrupted protein product. Loss-of-function variants in ALMS1 are known to be pathogenic (PMID: 17594715). For these reasons, this variant has been classified as Pathogenic. ClinVar contains an entry for this variant (Variation ID: 1685520). This variant has not been reported in the literature in individuals affected with ALMS1-related conditions. This variant is not present in population databases (gnomAD no frequency).

Women's Health and Genetics/Laboratory Corporation of America, LabCorp
Classification: Likely pathogenic for Alstrom syndrome. Last evaluated: 2023-03-21. Review status: criteria provided, single submitter. Criteria: LabCorp Variant Classification Summary - May 2015. Collection method: clinical testing. Allele origin: germline.
Comment: Variant summary: ALMS1 c.7447A>T (p.Lys2483X) results in a premature termination codon, predicted to cause a truncation of the encoded protein or absence of the protein due to nonsense mediated decay, which are commonly known mechanisms for disease. Truncations downstream of this position have been classified as pathogenic by our laboratory. The variant was absent in 248516 control chromosomes (gnomAD). To our knowledge, no occurrence of c.7447A>T in individuals affected with Alstrom Syndrome and no experimental evidence demonstrating its impact on protein function have been reported in the literature. Two submitters have provided clinical-significance assessments for this variant to ClinVar after 2014 and both classified the variant as pathogenic. Based on the evidence outlined above, the variant was classified as likely pathogenic.

Mendelics
Classification: Pathogenic for Alstrom syndrome. Last evaluated: 2022-05-04. Review status: criteria provided, single submitter. Criteria: Mendelics Assertion Criteria 2019. Collection method: clinical testing. Allele origin: germline.

Literature cited by the submitters: PubMed 17594715 (cited by Labcorp Genetics (formerly Invitae), Labcorp).